The following is an entry in ClinVar:

ClinVar aggregate classification (germline): Uncertain significance (1 of 4 stars; one submission).

gnomAD v4.1: 8 of 1,604,758 alleles (0.0005%); highest among the groups gnomAD compares: Admixed American, 0.01%; no homozygotes.

Submission:

Ambry Genetics
Classification: Uncertain significance. Last evaluated: 2026-05-30. Review status: criteria provided, single submitter. Criteria: Ambry Variant Classification Scheme 2023. Collection method: clinical testing. Allele origin: germline.
Comment: The p.H222R variant (also known as c.665A>G), located in coding exon 4 of the ATRIP gene, results from an A to G substitution at nucleotide position 665. The histidine at codon 222 is replaced by arginine, an amino acid with highly similar properties. This amino acid position is conserved. In addition, this alteration is predicted to be tolerated by in silico analysis. Based on the available evidence, the clinical significance of this variant remains unclear.

NM_130384.3(ATRIP):c.665A>G (p.His222Arg)

Genes: ATRIP (ATR interacting protein; plus strand), ATRIP-TREX1 (ATRIP-TREX1 readthrough; plus strand). Cytogenetic location: 3p21.31.
Variant type: single nucleotide variant.
Coding change: c.665A>G on transcript NM_130384.3 (MANE Select); coding-DNA position 665, A replaced by G.
Protein change: p.His222Arg; replaces histidine 222 with arginine.
Molecular consequence: missense variant. On other transcripts: non-coding transcript variant (1).
Genome position (GRCh38, 1-based): chr3:48,454,412, A>G. VCF-style: chr3-48454412-A-G. GRCh37 (hg19) VCF-style: chr3-48495812-A-G.
Other names: c.284A>G, p.His95Arg (NM_001271022.2); c.386A>G, p.His129Arg (NM_001271023.2); c.665A>G, p.His222Arg (NM_032166.4); short protein forms H129R, H222R, H95R.
Identifiers: ClinVar variation 4867259 (VCV004867259.1).